The following is an entry in ClinVar:

ClinVar aggregate classification (germline): Uncertain significance (1 of 4 stars; one submission).

Submission:

Labcorp Genetics (formerly Invitae), Labcorp
Classification: Uncertain significance. Last evaluated: 2025-09-09. Review status: criteria provided, single submitter. Criteria: Invitae Variant Classification Sherloc (09022015). Collection method: clinical testing. Allele origin: germline.
Comment: This sequence change replaces glycine, which is neutral and non-polar, with alanine, which is neutral and non-polar, at codon 415 of the BACH2 protein (p.Gly415Ala). This variant is not present in population databases (gnomAD no frequency). This variant has not been reported in the literature in individuals affected with BACH2-related conditions. Invitae Evidence Modeling of protein sequence and biophysical properties (such as structural, functional, and spatial information, amino acid conservation, physicochemical variation, residue mobility, and thermodynamic stability) indicates that this missense variant is not expected to disrupt BACH2 protein function with a negative predictive value of 80%. In summary, the available evidence is currently insufficient to determine the role of this variant in disease. Therefore, it has been classified as a Variant of Uncertain Significance.

NM_021813.4(BACH2):c.1244G>C (p.Gly415Ala)

Gene: BACH2 (BACH transcriptional regulator 2; minus strand). Cytogenetic location: 6q15.
Variant type: single nucleotide variant.
Coding change: c.1244G>C on transcript NM_021813.4 (MANE Select); coding-DNA position 1244, G replaced by C.
Protein change: p.Gly415Ala; replaces glycine 415 with alanine.
Molecular consequence: missense variant.
Genome position (GRCh38, 1-based): chr6:89,950,862, C>G on the plus strand (G>C on the coding strand, the complement: BACH2 is on the minus strand). VCF-style: chr6-89950862-C-G. GRCh37 (hg19) VCF-style: chr6-90660581-C-G.
Other names: c.1244G>C, p.Gly415Ala (NM_001170794.2); short protein forms G415A.
Identifiers: ClinVar variation 4738518 (VCV004738518.1).